The following is an entry in ClinVar:

ClinVar aggregate classification (germline): Uncertain significance. Review status: criteria provided, multiple submitters, no conflicts (2 of 4 stars). 2 submissions from 2 submitters: Uncertain significance (2). Last evaluated 2026-02-25.

Allele frequency attached by ClinVar (database versions not stated): TOPMed 0.00079; gnomAD exomes 0.00009; 1000 Genomes Project 30x 0.00016; 1000 Genomes Project 0.00020; ESP Exome Variant Server 0.00062; gnomAD 0.00075; ExAC 0.00032.
gnomAD v4.1: 257 of 1,603,186 alleles (0.016%); highest among the groups gnomAD compares: African/African-American, 0.27%; no homozygotes.

Submissions (2):

Dasa
Classification: Uncertain significance. Last evaluated: 2026-02-25. Review status: criteria provided, single submitter. Criteria: DASA Assertion Criteria. Collection method: clinical testing. Allele origin: germline.
Comment: NM_020820.4(PREX1):c.2095C>T (p.Arg699Cys) is a missense variant that results in the substitution of arginine with cysteine. This classification is supported by population frequency inconsistent with a disease-causing role. The currently available literature and clinical evidence are not sufficient to establish a definitive association between this variant and the reported condition. Therefore, this variant is classified as a variant of uncertain significance.

Ambry Genetics
Classification: Uncertain significance. Last evaluated: 2021-07-20. Review status: criteria provided, single submitter. Criteria: Ambry Variant Classification Scheme 2023. Collection method: clinical testing. Allele origin: germline.

NM_020820.4(PREX1):c.2095C>T (p.Arg699Cys)

Gene: PREX1 (phosphatidylinositol-3,4,5-trisphosphate dependent Rac exchange factor 1; minus strand). Cytogenetic location: 20q13.13.
Variant type: single nucleotide variant.
Coding change: c.2095C>T on transcript NM_020820.4 (MANE Select); coding-DNA position 2095, C replaced by T.
Protein change: p.Arg699Cys; replaces arginine 699 with cysteine.
Molecular consequence: missense variant.
Genome position (GRCh38, 1-based): chr20:48,657,068, G>A on the plus strand (C>T on the coding strand, the complement: PREX1 is on the minus strand). VCF-style: chr20-48657068-G-A. GRCh37 (hg19) VCF-style: chr20-47273606-G-A.
Other names: short protein forms R699C.
Identifiers: ClinVar variation 2357590 (VCV002357590.4), dbSNP rs373231511, ClinGen allele CA9897370.